The following is an entry in ClinVar:

ClinVar aggregate classification (germline): Uncertain significance. Review status: criteria provided, multiple submitters, no conflicts (2 of 4 stars). 2 submissions from 2 submitters: Uncertain significance (2). Last evaluated 2025-12-16.

Conditions:
Inborn genetic diseases. Identifiers: MedGen C0950123, MeSH D030342.
Pulmonary fibrosis and/or bone marrow failure, Telomere-related, 3. Also called: PULMONARY FIBROSIS AND/OR BONE MARROW FAILURE SYNDROME, TELOMERE-RELATED, 3. Identifiers: Orphanet 2032, MedGen C4225346, MONDO:0014613, OMIM 616373.
Dyskeratosis congenita, autosomal recessive 5 (DKCB5). Identifiers: MedGen C3554656, MONDO:0014076, OMIM 615190.

Allele frequency attached by ClinVar (database versions not stated): gnomAD 0.00001; gnomAD exomes below 0.00001; ESP Exome Variant Server 0.00015; ExAC 0.00001; TOPMed 0.00001.
gnomAD v4.1: 32 of 1,612,550 alleles (0.002%); highest among the groups gnomAD compares: Non-Finnish European, 0.0025%; no homozygotes.

Submissions (2):

Labcorp Genetics (formerly Invitae), Labcorp
Classification: Uncertain significance for Dyskeratosis congenita, autosomal recessive 5; Pulmonary fibrosis and/or bone marrow failure, Telomere-related, 3. Last evaluated: 2025-12-16. Review status: criteria provided, single submitter. Criteria: Invitae Variant Classification Sherloc (09022015). Collection method: clinical testing. Allele origin: germline.
Comment: This sequence change replaces asparagine, which is neutral and polar, with lysine, which is basic and polar, at codon 911 of the RTEL1 protein (p.Asn911Lys). This variant is present in population databases (rs372027131, gnomAD 0.0009%). This variant has not been reported in the literature in individuals affected with RTEL1-related conditions. ClinVar contains an entry for this variant (Variation ID: 1433557). An algorithm developed to predict the effect of missense changes on protein structure and function (PolyPhen-2) suggests that this variant is likely to be tolerated. In summary, the available evidence is currently insufficient to determine the role of this variant in disease. Therefore, it has been classified as a Variant of Uncertain Significance.

Ambry Genetics
Classification: Uncertain significance for Inborn genetic diseases. Last evaluated: 2023-11-09. Review status: criteria provided, single submitter. Criteria: Ambry Variant Classification Scheme 2023. Collection method: clinical testing. Allele origin: germline.

NM_001283009.2(RTEL1):c.2733C>A (p.Asn911Lys)

Genes: RTEL1 (regulator of telomere elongation helicase 1; plus strand), RTEL1-TNFRSF6B (RTEL1-TNFRSF6B readthrough (NMD candidate); plus strand). Cytogenetic location: 20q13.33.
Variant type: single nucleotide variant.
Coding change: c.2733C>A on transcript NM_001283009.2 (MANE Select); coding-DNA position 2733, C replaced by A.
Protein change: p.Asn911Lys; replaces asparagine 911 with lysine.
Molecular consequence: missense variant. On other transcripts: non-coding transcript variant (1).
Genome position (GRCh38, 1-based): chr20:63,692,885, C>A. VCF-style: chr20-63692885-C-A. GRCh37 (hg19) VCF-style: chr20-62324238-C-A.
Other names: c.2805C>A (NM_032957.4); c.2064C>A, p.Asn688Lys (NM_001283010.1); c.2733C>A, p.Asn911Lys (NM_016434.4); c.2805C>A, p.Asn935Lys (NM_032957.5); short protein forms N688K, N911K, N935K.
Identifiers: ClinVar variation 1433557 (VCV001433557.7), dbSNP rs372027131, ClinGen allele CA9965516.
Genomic context (GRCh38, chr20:63,692,885, plus strand): 5'-ACAGACGGACAGGGCCAAGCTCTTCATGGTGGCCGTGAAGCAGGAGTTGAGCCAAGCCAA[C>A]TTTGCCACCTTCACCCAGGCCCTGCAGGACTACAAGGGTTCCGATGACTTCGCCGCCCTG-3'
Protein context (NP_001269938.1, residues 901-921): VAVKQELSQA[Asn911Lys]FATFTQALQD